The following is an entry in ClinVar:

NM_014244.5(ADAMTS2):c.70delinsTCTCTTATA (p.Pro24fs)

Gene: ADAMTS2 (ADAM metallopeptidase with thrombospondin type 1 motif 2; minus strand). Cytogenetic location: 5q35.3.
Variant type: Indel.
Coding change: c.70delinsTCTCTTATA on transcript NM_014244.5 (MANE Select); coding-DNA position 70, C replaced by TCTCTTATA.
Protein change: p.Pro24fs; shifts the reading frame from proline 24.
Molecular consequence: frameshift variant.
Genome position (GRCh38, 1-based): chr5:179,345,259, G replaced by TATAAGAGA on the plus strand (C replaced by TCTCTTATA on the coding strand, the reverse complement: ADAMTS2 is on the minus strand). VCF-style: chr5-179345259-G-TATAAGAGA. GRCh37 (hg19) VCF-style: chr5-178772260-G-TATAAGAGA.
Other names: c.70delinsTCTCTTATA, p.Pro24fs (NM_021599.4); short protein forms P24fs.
Identifiers: ClinVar variation 5016349 (VCV005016349.1).

ClinVar aggregate classification (germline): Pathogenic (1 of 4 stars; one submission).

Conditions:
Ehlers-Danlos syndrome, dermatosparaxis type. Also called: EDS VIIC; Dermatosparaxis; Ehlers-Danlos syndrome, type VII, autosomal recessive. Identifiers: Orphanet 1901, MedGen C2700425, MONDO:0009161, OMIM 225410.

Submission:

Myriad Genetics, Inc.
Classification: Pathogenic for Ehlers-Danlos syndrome, dermatosparaxis type. Last evaluated: 2024-05-14. Review status: criteria provided, single submitter. Criteria: Myriad Autosomal Dominant, Autosomal Recessive and X-Linked Classification Criteria (2023). Collection method: clinical testing. Allele origin: unknown.
Comment: NM_014244.4(ADAMTS2):c.70del1ins9(P24Sfs*144) is expected to be pathogenic in the context of Ehlers-Danlos syndrome, ADAMTS2-related. This variant is predicted to lead to an abnormal or absent protein product due to the creation of a premature termination codon in ADAMTS2, a gene where loss-of-function variants are known to be pathogenic. Please note: this variant was assessed in the context of healthy population screening.